The following is an entry in ClinVar:

ClinVar aggregate classification (germline): Likely benign (0 of 4 stars; one submission).

Conditions:
FAM136A-related disorder. Also called: FAM136A-related condition.

Allele frequency attached by ClinVar (database versions not stated): TOPMed 0.00001.

Submission:

PreventionGenetics, part of Exact Sciences
Classification: Likely benign for FAM136A-related condition. Last evaluated: 2020-01-22. Review status: no assertion criteria provided. Collection method: clinical testing. Allele origin: germline.
Comment: This variant is classified as likely benign based on ACMG/AMP sequence variant interpretation guidelines (Richards et al. 2015 PMID: 25741868, with internal and published modifications).

NM_001329752.2(FAM136A):c.408+10C>T

Gene: FAM136A (family with sequence similarity 136 member A; minus strand). Cytogenetic location: 2p13.3.
Variant type: single nucleotide variant.
Coding change: c.408+10C>T on transcript NM_001329752.2 (MANE Select); 10 bases into the intron after coding-DNA position 408, C replaced by T.
Molecular consequence: intron variant. On other transcripts: 5 prime UTR variant (3).
Genome position (GRCh38, 1-based): chr2:70,301,594, G>A on the plus strand (C>T on the coding strand, the complement: FAM136A is on the minus strand). VCF-style: chr2-70301594-G-A. GRCh37 (hg19) VCF-style: chr2-70528726-G-A.
Other names: c.-620C>T (NM_001329755.2); c.-193C>T (NM_001329757.2); c.-79C>T (NM_001329758.2); c.87+331C>T (NM_032822.3); c.342+76C>T (NM_001329753.2).
Identifiers: ClinVar variation 3051952 (VCV003051952.2), dbSNP rs915118811, ClinGen allele CA49653164.
Genomic context (GRCh38, chr2:70,301,594, plus strand): 5'-GAGGCCGGAAGTCCTCGCCTTTCTGGTCTTTCACGTTGGCAGCGCCTCTGCTGGGCCTCG[G>A]GCCGCTCACCTGCGGAAGGGGCCGCGTAAGAGGGGAAGGTGGTGGGGCGAGCGCCTGCCA-3'